The following is an entry in ClinVar:

ClinVar aggregate classification (germline): Uncertain significance (1 of 4 stars; one submission).

Submission:

GeneDx
Classification: Uncertain significance. Last evaluated: 2024-05-21. Review status: criteria provided, single submitter. Criteria: GeneDx Variant Classification Process June 2021. Collection method: clinical testing. Allele origin: germline. Affected: yes.
Comment: Not observed at significant frequency in large population cohorts (gnomAD); In silico analysis indicates that this missense variant does not alter protein structure/function; Has not been previously published as pathogenic or benign to our knowledge; This variant is associated with the following publications: (PMID: 15235019, 18823382, 22992590)

NM_005359.6(SMAD4):c.792C>G (p.Ser264Arg)

Gene: SMAD4 (SMAD family member 4; plus strand). Cytogenetic location: 18q21.2.
Variant type: single nucleotide variant.
Coding change: c.792C>G on transcript NM_005359.6 (MANE Select); coding-DNA position 792, C replaced by G.
Protein change: p.Ser264Arg; replaces serine 264 with arginine.
Molecular consequence: missense variant. On other transcripts: non-coding transcript variant (2).
Genome position (GRCh38, 1-based): chr18:51,058,344, C>G. VCF-style: chr18-51058344-C-G. GRCh37 (hg19) VCF-style: chr18-48584714-C-G.
Other names: c.792C>G, p.Ser264Arg (NM_001407041.1, NM_001407042.1, NM_001407043.1); short protein forms S264R.
Identifiers: ClinVar variation 3381663 (VCV003381663.1).